The following is an entry in ClinVar:

NM_000057.4(BLM):c.2101C>A (p.Leu701Ile)

Gene: BLM (BLM RecQ like helicase; plus strand). Cytogenetic location: 15q26.1.
Variant type: single nucleotide variant.
Coding change: c.2101C>A on transcript NM_000057.4 (MANE Select); coding-DNA position 2101, C replaced by A.
Protein change: p.Leu701Ile; replaces leucine 701 with isoleucine.
Molecular consequence: missense variant.
Genome position (GRCh38, 1-based): chr15:90,765,322, C>A. VCF-style: chr15-90765322-C-A. GRCh37 (hg19) VCF-style: chr15-91308552-C-A.
Other names: c.2101C>A, p.Leu701Ile (NM_001287246.2, NM_001287247.2); c.976C>A, p.Leu326Ile (NM_001287248.2); short protein forms L701I, L326I.
Identifiers: ClinVar variation 2958084 (VCV002958084.4), dbSNP rs1896092557, ClinGen allele CA393844565.

ClinVar aggregate classification (germline): Uncertain significance. Review status: criteria provided, multiple submitters, no conflicts (2 of 4 stars). 2 submissions from 2 submitters: Uncertain significance (2). Last evaluated 2026-08-24.

Conditions:
Bloom syndrome (BLM). Also called: Bloom-Torre-Machacek syndrome. Identifiers: Orphanet 125, MedGen C0005859, MONDO:0008876, OMIM 210900.
Hereditary cancer-predisposing syndrome. Also called: Hereditary Cancer Syndrome; Hereditary neoplastic syndrome; Neoplastic Syndromes, Hereditary; Tumor predisposition. Identifiers: Orphanet 140162, MedGen C0027672, MeSH D009386, MONDO:0015356.

Allele frequency attached by ClinVar (database versions not stated): gnomAD exomes below 0.00001.
gnomAD v4.1: 1 of 1,613,238 alleles (0.000062%); highest among the groups gnomAD compares: Non-Finnish European, 0.000085%; no homozygotes.

Submissions (2):

Ambry Genetics
Classification: Uncertain significance for Hereditary cancer-predisposing syndrome. Last evaluated: 2026-08-24. Review status: criteria provided, single submitter. Criteria: Ambry Variant Classification Scheme 2023. Collection method: clinical testing. Allele origin: germline.
Comment: The p.L701I variant (also known as c.2101C>A), located in coding exon 8 of the BLM gene, results from a C to A substitution at nucleotide position 2101. The leucine at codon 701 is replaced by isoleucine, an amino acid with highly similar properties. This amino acid position is conserved. In addition, this alteration is predicted to be tolerated by in silico analysis. Based on the available evidence, the clinical significance of this variant remains unclear.

Labcorp Genetics (formerly Invitae), Labcorp
Classification: Uncertain significance for Bloom syndrome. Last evaluated: 2022-11-29. Review status: criteria provided, single submitter. Criteria: Invitae Variant Classification Sherloc (09022015). Collection method: clinical testing. Allele origin: germline.
Comment: This sequence change replaces leucine, which is neutral and non-polar, with isoleucine, which is neutral and non-polar, at codon 701 of the BLM protein (p.Leu701Ile). This variant is not present in population databases (gnomAD no frequency). This variant has not been reported in the literature in individuals affected with BLM-related conditions. Advanced modeling of protein sequence and biophysical properties (such as structural, functional, and spatial information, amino acid conservation, physicochemical variation, residue mobility, and thermodynamic stability) performed at Invitae indicates that this missense variant is expected to disrupt BLM protein function. In summary, the available evidence is currently insufficient to determine the role of this variant in disease. Therefore, it has been classified as a Variant of Uncertain Significance.